The following is an entry in ClinVar:

ClinVar aggregate classification (germline): Uncertain significance. Review status: criteria provided, multiple submitters, no conflicts (2 of 4 stars). 2 submissions from 2 submitters: Uncertain significance (2). Last evaluated 2022-11-10.

Conditions:
Niemann-Pick disease, type C1. Also called: NEUROVISCERAL STORAGE DISEASE WITH VERTICAL SUPRANUCLEAR OPHTHALMOPLEGIA; NIEMANN-PICK DISEASE WITH CHOLESTEROL ESTERIFICATION BLOCK; NIEMANN-PICK DISEASE WITHOUT SPHINGOMYELINASE DEFICIENCY; NIEMANN-PICK DISEASE, CHRONIC NEURONOPATHIC FORM; NIEMANN-PICK DISEASE, VARIANT TYPE C1. Identifiers: Orphanet 646, MedGen C3179455, MONDO:0009757, OMIM 257220.

Allele frequency attached by ClinVar (database versions not stated): TOPMed 0.00001.

Submissions (2):

GeneDx
Classification: Uncertain significance. Last evaluated: 2022-11-10. Review status: criteria provided, single submitter. Criteria: GeneDx Variant Classification Process June 2021. Collection method: clinical testing. Allele origin: germline. Affected: yes.
Comment: Not observed at significant frequency in large population cohorts (gnomAD); In silico analysis supports that this missense variant does not alter protein structure/function; Has not been previously published as pathogenic or benign to our knowledge

Labcorp Genetics (formerly Invitae), Labcorp
Classification: Uncertain significance for Niemann-Pick disease, type C1. Last evaluated: 2021-08-31. Review status: criteria provided, single submitter. Criteria: Invitae Variant Classification Sherloc (09022015). Collection method: clinical testing. Allele origin: germline.
Comment: This sequence change replaces leucine with arginine at codon 8 of the NPC1 protein (p.Leu8Arg). The leucine residue is weakly conserved and there is a moderate physicochemical difference between leucine and arginine. The frequency data for this variant in the population databases is considered unreliable, as metrics indicate insufficient coverage at this position in the ExAC database. This variant has not been reported in the literature in individuals affected with NPC1-related conditions. Algorithms developed to predict the effect of missense changes on protein structure and function (SIFT, PolyPhen-2, Align-GVGD) all suggest that this variant is likely to be tolerated. In summary, the available evidence is currently insufficient to determine the role of this variant in disease. Therefore, it has been classified as a Variant of Uncertain Significance.

NM_000271.5(NPC1):c.23T>G (p.Leu8Arg)

Gene: NPC1 (NPC intracellular cholesterol transporter 1; minus strand). Cytogenetic location: 18q11.2.
Variant type: single nucleotide variant.
Coding change: c.23T>G on transcript NM_000271.5 (MANE Select); coding-DNA position 23, T replaced by G.
Protein change: p.Leu8Arg; replaces leucine 8 with arginine.
Molecular consequence: missense variant.
Genome position (GRCh38, 1-based): chr18:23,586,321, A>C on the plus strand (T>G on the coding strand, the complement: NPC1 is on the minus strand). VCF-style: chr18-23586321-A-C. GRCh37 (hg19) VCF-style: chr18-21166285-A-C.
Other names: c.23T>G (NM_000271.4); short protein forms L8R.
Identifiers: ClinVar variation 1393737 (VCV001393737.7), dbSNP rs1012718245, ClinGen allele CA297085317.